The following is an entry in ClinVar:

NM_001277115.2(DNAH11):c.4498C>T (p.Gln1500Ter)

Gene: DNAH11 (dynein axonemal heavy chain 11; plus strand). Cytogenetic location: 7p15.3.
Variant type: single nucleotide variant.
Coding change: c.4498C>T on transcript NM_001277115.2 (MANE Select); coding-DNA position 4498, C replaced by T.
Protein change: p.Gln1500Ter; replaces glutamine 1500 with a stop codon.
Molecular consequence: nonsense.
Genome position (GRCh38, 1-based): chr7:21,620,076, C>T. VCF-style: chr7-21620076-C-T. GRCh37 (hg19) VCF-style: chr7-21659694-C-T.
Other names: short protein forms Q1500*.
Identifiers: ClinVar variation 4818930 (VCV004818930.2).

ClinVar aggregate classification (germline): Likely pathogenic. Review status: criteria provided, multiple submitters, no conflicts (2 of 4 stars). 2 submissions from 2 submitters: Likely pathogenic (2). Last evaluated 2026-03-27.

Conditions:
DNAH11-related disorders.
Primary ciliary dyskinesia 7. Also called: CILIARY DYSKINESIA, PRIMARY, 7, WITH OR WITHOUT SITUS INVERSUS. Identifiers: Orphanet 244, MedGen C2678473, MONDO:0012748, OMIM 611884.

gnomAD v4.1: 1 of 1,576,280 alleles (0.000063%); highest among the groups gnomAD compares: Admixed American, 0.002%; no homozygotes.

Submissions (2):

The Research Institute of Tuberculosis, Japan Anti-Tuberculosis Association
Classification: Likely pathogenic for Primary ciliary dyskinesia 7. Last evaluated: 2026-03-27. Review status: criteria provided, single submitter. Criteria: ACMG Guidelines, 2015. Collection method: research. Allele origin: germline. Inheritance: Autosomal recessive inheritance. Affected: yes.
Comment: Classification derived from Franklin (Genoox) summary and internal review. ACMG/AMP guidelines were applied for SNV/indel interpretation. Final classification: Likely pathogenic. This variant is a null variant (STOP_GAIN) in a gene where loss of function is an established mechanism of disease, supporting PVS1. This variant is absent or present at extremely low frequency in population databases (gnomAD: exome 0.00007; genome 0), supporting PM2. Evidence (ACMG/AMP codes): PVS1, PM2.

Blueprint Genetics
Classification: Likely pathogenic for DNAH11-related disorders. Last evaluated: 2024-09-04. Review status: criteria provided, single submitter. Criteria: ACMG Guidelines, 2015. Collection method: clinical testing. Allele origin: germline. Affected: yes. Observed: 1 variant allele.

Literature cited by the submitters: PubMed 39462806 (cited by The Research Institute of Tuberculosis, Japan Anti-Tuberculosis Association).